The following is an entry in ClinVar:

ClinVar aggregate classification (germline): Likely benign (1 of 4 stars; one submission).

Submission:

CeGaT Center for Human Genetics Tuebingen
Classification: Likely benign. Last evaluated: 2022-10-01. Review status: criteria provided, single submitter. Criteria: CeGaT Center For Human Genetics Tuebingen Variant Classification Criteria Version 2. Collection method: clinical testing. Allele origin: germline. Affected: yes. Observed: 1 variant allele.
Comment: BICRA: PM2:Supporting, BP4, BP7

NM_001394372.1(BICRA):c.915T>C (p.Ser305=)

Gene: BICRA (BRD4 interacting chromatin remodeling complex associated protein; plus strand). Cytogenetic location: 19q13.33.
Variant type: single nucleotide variant.
Coding change: c.915T>C on transcript NM_001394372.1 (MANE Select); coding-DNA position 915, T replaced by C.
Protein change: p.Ser305=; no amino-acid change (serine 305 retained).
Molecular consequence: synonymous variant.
Genome position (GRCh38, 1-based): chr19:47,680,085, T>C. VCF-style: chr19-47680085-T-C. GRCh37 (hg19) VCF-style: chr19-48183342-T-C.
Other names: c.915T>C, p.Ser305= (NM_015711.3).
Identifiers: ClinVar variation 2650161 (VCV002650161.24), dbSNP rs2514109040, ClinGen allele CA508257152.